The following is an entry in ClinVar:

ClinVar aggregate classification (germline): Uncertain significance (1 of 4 stars; one submission).

gnomAD v4.1: 3 of 1,614,166 alleles (0.00019%); highest among the groups gnomAD compares: Non-Finnish European, 0.00025%; no homozygotes.

Submission:

Labcorp Genetics (formerly Invitae), Labcorp
Classification: Uncertain significance. Last evaluated: 2024-12-20. Review status: criteria provided, single submitter. Criteria: Invitae Variant Classification Sherloc (09022015). Collection method: clinical testing. Allele origin: germline.
Comment: This sequence change replaces glycine, which is neutral and non-polar, with valine, which is neutral and non-polar, at codon 589 of the TNFAIP3 protein (p.Gly589Val). This variant is not present in population databases (gnomAD no frequency). This variant has not been reported in the literature in individuals affected with TNFAIP3-related conditions. Invitae Evidence Modeling of protein sequence and biophysical properties (such as structural, functional, and spatial information, amino acid conservation, physicochemical variation, residue mobility, and thermodynamic stability) indicates that this missense variant is not expected to disrupt TNFAIP3 protein function with a negative predictive value of 80%. In summary, the available evidence is currently insufficient to determine the role of this variant in disease. Therefore, it has been classified as a Variant of Uncertain Significance.

NM_001270508.2(TNFAIP3):c.1766G>T (p.Gly589Val)

Gene: TNFAIP3 (TNF alpha induced protein 3; plus strand). Cytogenetic location: 6q23.3.
Variant type: single nucleotide variant.
Coding change: c.1766G>T on transcript NM_001270508.2 (MANE Select); coding-DNA position 1766, G replaced by T.
Protein change: p.Gly589Val; replaces glycine 589 with valine.
Molecular consequence: missense variant.
Genome position (GRCh38, 1-based): chr6:137,879,211, G>T. VCF-style: chr6-137879211-G-T. GRCh37 (hg19) VCF-style: chr6-138200348-G-T.
Other names: c.1766G>T, p.Gly589Val (NM_001270507.2, NM_006290.4); short protein forms G589V.
Identifiers: ClinVar variation 3715366 (VCV003715366.2).